The following is an entry in ClinVar:

NM_015215.4(CAMTA1):c.1652C>T (p.Ser551Phe)

Gene: CAMTA1 (calmodulin binding transcription activator 1; plus strand). Cytogenetic location: 1p36.23.
Variant type: single nucleotide variant.
Coding change: c.1652C>T on transcript NM_015215.4 (MANE Select); coding-DNA position 1652, C replaced by T.
Protein change: p.Ser551Phe; replaces serine 551 with phenylalanine.
Molecular consequence: missense variant.
Genome position (GRCh38, 1-based): chr1:7,664,199, C>T. VCF-style: chr1-7664199-C-T. GRCh37 (hg19) VCF-style: chr1-7724259-C-T.
Other names: c.1562C>T, p.Ser521Phe (NM_001349608.2, NM_001349612.2); c.1652C>T, p.Ser551Phe (NM_001349609.2, NM_001349610.2, NM_001410737.1); c.1580C>T, p.Ser527Phe (NM_001410738.1); short protein forms S521F, S527F, S551F.
Identifiers: ClinVar variation 3484610 (VCV003484610.2).
Genomic context (GRCh38, chr1:7,664,199, plus strand): 5'-AGATCAAGACCGAGGACACCTCCTTCGAGCAGCAGATGGCCAAAGAAGCGTACTCCTCCT[C>T]CGCGGCGGCTGTGGCAGCCAGCTCCCTCACCCTGACCGCCGGCTCCAGCCTCCTGCCGTC-3'
Protein context (NP_056030.1, residues 541-561): QQMAKEAYSS[Ser551Phe]AAAVAASSLT

ClinVar aggregate classification (germline): Uncertain significance. Review status: criteria provided, multiple submitters, no conflicts (2 of 4 stars). 2 submissions from 2 submitters: Uncertain significance (2). Last evaluated 2025-12-05.

Conditions:
Inborn genetic diseases. Identifiers: MedGen C0950123, MeSH D030342.

gnomAD v4.1: 1 of 1,612,758 alleles (0.000062%); highest among the groups gnomAD compares: Non-Finnish European, 0.000085%; no homozygotes.

Submissions (2):

Women's Health and Genetics/Laboratory Corporation of America, LabCorp
Classification: Uncertain significance. Last evaluated: 2025-12-05. Review status: criteria provided, single submitter. Criteria: LabCorp Variant Classification Summary - May 2015. Collection method: clinical testing. Allele origin: germline.
Comment: Variant summary: CAMTA1 c.1652C>T (p.Ser551Phe) results in a non-conservative amino acid change in the encoded protein sequence. Algorithms developed to predict the effect of missense changes on protein structure and function are either unavailable or do not agree on the potential impact of this missense change. The variant was absent in 246876 control chromosomes. The available data on variant occurrences in the general population are insufficient to allow any conclusion about variant significance. To our knowledge, no occurrence of c.1652C>T in individuals affected with CAMTA1-related conditions and no experimental evidence demonstrating its impact on protein function have been reported. ClinVar contains an entry for this variant (Variation ID: 3484610). Based on the evidence outlined above, the variant was classified as uncertain significance.

Ambry Genetics
Classification: Uncertain significance for Inborn genetic diseases. Last evaluated: 2024-12-06. Review status: criteria provided, single submitter. Criteria: Ambry Variant Classification Scheme 2023. Collection method: clinical testing. Allele origin: germline.